The following is an entry in ClinVar:

ClinVar aggregate classification (germline): Likely pathogenic (1 of 4 stars; one submission).

Conditions:
Moyamoya disease with early-onset achalasia (MYMY6). Also called: MOYAMOYA DISEASE 6 WITH OR WITHOUT ACHALASIA. Identifiers: Orphanet 401945, MedGen C3810403, MONDO:0014331, OMIM 615750.

Submission:

Neuberg Centre For Genomic Medicine, NCGM
Classification: Likely pathogenic for Moyamoya disease with early-onset achalasia. Review status: criteria provided, single submitter. Criteria: ACMG Guidelines, 2015. Collection method: clinical testing. Allele origin: germline. Inheritance: Autosomal recessive inheritance. Affected: yes.
Comment: The frameshift variant c.1886_1905del (p.Cys629SerfsTer13) in the GUCY1A1 gene has not been reported previously as a pathogenic variant nor as a benign variant, to our knowledge. The variant is absent in the gnomAD Exomes. This variant causes a frameshift starting with codon Cysteine 629, changes this amino acid to Serine residue, and creates a premature Stop codon at position 13 of the new reading frame. Though this variant is present in the last exon two termination variants beyond this position have been submitted to the ClinVar database as Pathogenic/Likely pathogenic. This variant is predicted to cause loss of normal protein function through protein truncation. Loss of function variants have been previously reported to be disease causing (Erdmann et al., 2013). For these reasons, this variant has been classified as Likely Pathogenic.

NM_001130682.3(GUCY1A1):c.1886_1905del (p.Cys629fs)

Gene: GUCY1A1 (guanylate cyclase 1 soluble subunit alpha 1; plus strand). Cytogenetic location: 4q32.1.
Variant type: Deletion.
Coding change: c.1886_1905del on transcript NM_001130682.3 (MANE Select); coding-DNA positions 1886 to 1905, 20 bases deleted (GTCCTGGTTTCGTGTTTACC).
Protein change: p.Cys629fs; shifts the reading frame from cysteine 629.
Molecular consequence: frameshift variant.
Genome position (GRCh38, 1-based): chr4:155,730,044-155,730,063, GTCCTGGTTTCGTGTTTACC deleted. VCF-style (leftmost placement, unchanged base first): chr4-155730043-TGTCCTGGTTTCGTGTTTACC-T. GRCh37 (hg19) VCF-style: chr4-156651195-TGTCCTGGTTTCGTGTTTACC-T.
Other names: c.1886_1905del, p.Cys629fs (NM_001130683.4, NM_001130684.3, NM_001256449.2 and 10 more transcripts); c.1181_1200del, p.Cys394fs (NM_001130685.3); c.1731_1750del, p.Ser578fs (NM_001379675.1); c.1379_1398del, p.Cys460fs (NM_001379676.1); short protein forms C394fs, C460fs, C629fs, S578fs.
Identifiers: ClinVar variation 3377733 (VCV003377733.1).